The following is an entry in ClinVar:

NM_017763.6(RNF43):c.1392_1393del (p.Ser464fs)

Gene: RNF43 (ring finger protein 43; minus strand). Cytogenetic location: 17q22.
Variant type: Deletion.
Coding change: c.1392_1393del on transcript NM_017763.6 (MANE Select); coding-DNA positions 1392 to 1393, 2 bases deleted (TG; older notation c.1392_1393delTG).
Protein change: p.Ser464fs; shifts the reading frame from serine 464.
Molecular consequence: frameshift variant.
Genome position (GRCh38, 1-based): chr17:58,358,383-58,358,384, CA deleted on the plus strand (TG on the coding strand, the reverse complement: RNF43 is on the minus strand); deleting any 2 consecutive bases within chr17:58,358,383-58,358,385 gives the same sequence; the c. name uses the placement nearest the transcript's 3' end. VCF-style (leftmost placement, unchanged base first): chr17-58358382-TCA-T. GRCh37 (hg19) VCF-style: chr17-56435743-TCA-T.
Other names: c.1011_1012del, p.Ser337fs (NM_001305545.2, NM_001437987.1); c.1392_1393del, p.Ser464fs (NM_001438820.1, NM_001438821.1, NM_001438822.1 and 1 more transcripts); short protein forms S337fs, S464fs.
Identifiers: ClinVar variation 4844772 (VCV004844772.1).

ClinVar aggregate classification (germline): Uncertain significance (1 of 4 stars; one submission).

Submission:

Ambry Genetics
Classification: Uncertain significance. Last evaluated: 2026-02-03. Review status: criteria provided, single submitter. Criteria: Ambry Variant Classification Scheme 2023. Collection method: clinical testing. Allele origin: germline.
Comment: The c.1392_1393delTG variant, located in coding exon 8 of the RNF43 gene, results from a deletion of two nucleotides at nucleotide positions 1392 to 1393, causing a translational frameshift with a predicted alternate stop codon (p.S464Rfs*13). The evidence for this gene-disease relationship is limited; therefore, the clinical significance of this variant is unclear.